The following is an entry in ClinVar:

NM_032856.5(WDR73):c.287G>A (p.Arg96Lys)

Gene: WDR73 (WD repeat domain 73; minus strand). Cytogenetic location: 15q25.2.
Variant type: single nucleotide variant.
Coding change: c.287G>A on transcript NM_032856.5 (MANE Select); coding-DNA position 287, G replaced by A.
Protein change: p.Arg96Lys; replaces arginine 96 with lysine.
Molecular consequence: missense variant. On other transcripts: non-coding transcript variant (3).
Genome position (GRCh38, 1-based): chr15:84,648,537, C>T on the plus strand (G>A on the coding strand, the complement: WDR73 is on the minus strand). VCF-style: chr15-84648537-C-T. GRCh37 (hg19) VCF-style: chr15-85191768-C-T.
Other names: short protein forms R96K.
Identifiers: ClinVar variation 208470 (VCV000208470.30), dbSNP rs797044995, ClinGen allele CA249845.

ClinVar aggregate classification (germline): Pathogenic/Likely pathogenic. Review status: criteria provided, multiple submitters, no conflicts (2 of 4 stars). 11 submissions from 11 submitters: Pathogenic (2); Likely pathogenic (5). 4 of the submissions do not count toward it. Last evaluated 2025-02-25.

Conditions:
Nephrotic syndrome. Identifiers: MedGen C0027726, MONDO:0005377, HP:0000100.
Galloway-Mowat syndrome 1 (GAMOS1). Identifiers: Orphanet 2065, Orphanet 83472, MedGen C4551772, MONDO:0033005, OMIM 251300.

Allele frequency attached by ClinVar (database versions not stated): gnomAD exomes below 0.00001.
gnomAD v4.1: 1 of 1,611,924 alleles (0.000062%); highest among the groups gnomAD compares: Middle Eastern, 0.016%; no homozygotes.

Submissions (11):

3billion
Classification: Likely pathogenic for Galloway-Mowat syndrome 1. Last evaluated: 2025-02-25. Review status: criteria provided, single submitter. Criteria: ACMG Guidelines, 2015. Collection method: clinical testing. Allele origin: germline. Affected: yes.
Comment: The variant is observed at an extremely low frequency in the gnomAD v4.1.0 dataset (total allele frequency: <0.001%). Predicted Consequence/Location: Missense variant. The majority of the known disease-causing variants of this gene are variants expected to result in premature termination of the protein. In silico tools predict the variant to alter splicing and produce an abnormal transcript [SpliceAI: 0.89 (>=0.2, moderate evidence for spliceogenicity)]. The same nucleotide change resulting in the same amino acid change has been previously reported as pathogenic/likely pathogenic with strong evidence (ClinVar ID: VCV000208470 /PMID: 26123727 /3billion dataset). The variant has been reported to co-segregate with the disease in at least one similarly affected relative/individual in the same family or similarly affected unrelated families (PMID: 27001912). Therefore, this variant is classified as Likely pathogenic according to the recommendation of ACMG/AMP guideline.

CeGaT Center for Human Genetics Tuebingen
Classification: Likely pathogenic. Last evaluated: 2024-12-01. Review status: criteria provided, single submitter. Criteria: CeGaT Center For Human Genetics Tuebingen Variant Classification Criteria Version 2. Collection method: clinical testing. Allele origin: germline. Affected: yes. Observed: 3 variant alleles.
Comment: WDR73: PM2, PM3, PP1, PP3

GeneDx
Classification: Pathogenic. Last evaluated: 2024-07-17. Review status: criteria provided, single submitter. Criteria: GeneDx Variant Classification Process June 2021. Collection method: clinical testing. Allele origin: germline. Affected: yes.
Comment: Alters the last nucleotide of the exon and is predicted to destroy the splice donor site and result in aberrant splicing, although in the absence of functional evidence the actual effect of this sequence change is unknown; Not observed at significant frequency in large population cohorts (gnomAD); This variant is associated with the following publications: (PMID: 34426522, 29127259, 27001912, 36801247, 26123727, 30202406, 29929488)

MGZ Medical Genetics Center
Classification: Likely pathogenic for Galloway-Mowat syndrome 1. Last evaluated: 2021-12-22. Review status: criteria provided, single submitter. Criteria: ACMG Guidelines, 2015. Collection method: clinical testing. Allele origin: germline. Affected: yes. Observed: 1 variant allele.
Comment: ACMG criteria applied: PS4_MOD, PM3, PM2_SUP, PP3

Institute of Human Genetics Munich, TUM University Hospital
Classification: Pathogenic for Galloway-Mowat syndrome 1. Last evaluated: 2021-05-27. Review status: criteria provided, single submitter. Criteria: Classification criteria August 2017. Collection method: clinical testing. Allele origin: germline. Inheritance: Autosomal recessive inheritance. Affected: yes. Observed: 1 variant allele.

Institute of Medical Genetics and Applied Genomics, University Hospital Tübingen
Classification: Likely pathogenic. Last evaluated: 2020-10-23. Review status: criteria provided, single submitter. Criteria: ACMG Guidelines, 2015. Collection method: clinical testing. Allele origin: germline. Inheritance: Unknown mechanism. Affected: yes.

Neuberg Centre For Genomic Medicine, NCGM
Classification: Likely pathogenic for Galloway-Mowat syndrome 1. Review status: criteria provided, single submitter. Criteria: ACMG Guidelines, 2015. Collection method: clinical testing. Allele origin: germline. Affected: yes.
Comment: The missense variant p.R96K in WDR73 (NM_032856.5) has been reported previously in affected individuals (Vodopiutz J et al; Rosti et al). It has been submitted to ClinVar as Likely pathogenic/Pathogenic. The p.R96K variant is novel (not in any individuals) in gnomAD Exomes and is novel (not in any individuals) in 1000 Genomes. In silico tools predict the variant to be damaging and the residue is conserved across species. For these reasons, this variant has been classified as Likely Pathogenic

Solve-RD Consortium
Classification: Likely pathogenic for Galloway-Mowat syndrome 1. Last evaluated: 2022-06-01. Review status: no assertion criteria provided. Collection method: provider interpretation. Allele origin: inherited. Affected: yes. Not counted in ClinVar's aggregate classification.
Comment: Variant confirmed as disease-causing by referring clinical team

Variant identified during reanalysis of unsolved cases by the Solve-RD project. The Solve-RD project has received funding from the European Union’s Horizon 2020 research and innovation programme under grant agreement No 779257.

Bioscientia Institut fuer Medizinische Diagnostik GmbH, Sonic Healthcare
Classification: Pathogenic for Galloway-Mowat syndrome 1. Last evaluated: 2019-03-26. Review status: no assertion criteria provided. Collection method: clinical testing. Allele origin: germline. Affected: yes. Not counted in ClinVar's aggregate classification.

Yale Center for Mendelian Genomics, Yale University
Classification: Likely pathogenic for Nephrotic syndrome. Last evaluated: 2017-11-10. Review status: no assertion criteria provided. Collection method: literature only. Allele origin: germline. Affected: yes. Observed: 1 homozygote. Study: Yale Center for Mendelian Genomics. Not counted in ClinVar's aggregate classification.

OMIM
Classification: Pathogenic for GALLOWAY-MOWAT SYNDROME 1. Last evaluated: 2015-06-29. Review status: no assertion criteria provided. Collection method: literature only. Allele origin: germline. Not counted in ClinVar's aggregate classification.

Literature cited by the submitters: PubMed 27001912 (cited by 3billion); PubMed 26123727 (cited by 3billion and OMIM); PubMed 39825153 (cited by Solve-RD Consortium); PubMed 29127259 (cited by Yale Center for Mendelian Genomics, Yale University).